The following is an entry in ClinVar:

NM_021073.4(BMP5):c.362A>G (p.Asn121Ser)

Gene: BMP5 (bone morphogenetic protein 5; minus strand). Cytogenetic location: 6p12.1.
Variant type: single nucleotide variant.
Coding change: c.362A>G on transcript NM_021073.4 (MANE Select); coding-DNA position 362, A replaced by G.
Protein change: p.Asn121Ser; replaces asparagine 121 with serine.
Molecular consequence: missense variant.
Genome position (GRCh38, 1-based): chr6:55,874,504, T>C on the plus strand (A>G on the coding strand, the complement: BMP5 is on the minus strand). VCF-style: chr6-55874504-T-C. GRCh37 (hg19) VCF-style: chr6-55739302-T-C.
Other names: NC_000006.11:g.55739302T>C; c.362A>G, p.Asn121Ser (NM_001329754.2, NM_001329756.2); short protein forms N121S.
Identifiers: ClinVar variation 709824 (VCV000709824.6), dbSNP rs35124644, ClinGen allele CA3864911.

ClinVar aggregate classification (germline): Benign. Review status: criteria provided, single submitter (1 of 4 stars). 2 submissions from 2 submitters: Benign (1). 1 of the submissions does not count toward it. Last evaluated 2018-03-02.

Conditions:
BMP5-related disorder. Also called: BMP5-related condition.

Allele frequency attached by ClinVar (database versions not stated): gnomAD exomes 0.00094 and 0.00231; ExAC 0.00271; gnomAD 0.00820 and 0.00865; ESP Exome Variant Server 0.00892; TOPMed 0.00892; 1000 Genomes Project 0.01118; 1000 Genomes Project 30x 0.01280.
gnomAD v4.1: 2,638 of 1,613,422 alleles (0.16%); highest among the groups gnomAD compares: African/African-American, 2.8%; 32 homozygotes.

Submissions (3):

Labcorp Genetics (formerly Invitae), Labcorp
Classification: Benign. Last evaluated: 2018-03-02. Review status: criteria provided, single submitter. Criteria: Invitae Variant Classification Sherloc (09022015). Collection method: clinical testing. Allele origin: germline.

PreventionGenetics, part of Exact Sciences
Classification: Likely benign for BMP5-related condition. Last evaluated: 2019-03-06. Review status: no assertion criteria provided. Collection method: clinical testing. Allele origin: germline. Not counted in ClinVar's aggregate classification.
Comment: This variant is classified as likely benign based on ACMG/AMP sequence variant interpretation guidelines (Richards et al. 2015 PMID: 25741868, with internal and published modifications).

Dr. Peter K. Rogan Lab, Western University
No classification provided (evidence only). Condition: Cervical cancer. Review status: no classification provided. Collection method: in vitro. Allele origin: not applicable. Functional consequence: retained intron. Not counted in ClinVar's aggregate classification.